The following is an entry in ClinVar:

ClinVar aggregate classification (germline): Uncertain significance (1 of 4 stars; one submission).

Allele frequency attached by ClinVar (database versions not stated): TOPMed below 0.00001; ExAC 0.00001.

Submission:

Labcorp Genetics (formerly Invitae), Labcorp
Classification: Uncertain significance. Last evaluated: 2022-09-06. Review status: criteria provided, single submitter. Criteria: Invitae Variant Classification Sherloc (09022015). Collection method: clinical testing. Allele origin: germline.
Comment: This variant has not been reported in the literature in individuals affected with SLC46A1-related conditions. In summary, the available evidence is currently insufficient to determine the role of this variant in disease. Therefore, it has been classified as a Variant of Uncertain Significance. Experimental studies and prediction algorithms are not available or were not evaluated, and the functional significance of this variant is currently unknown. This variant is present in population databases (rs782811181, gnomAD 0.006%). This sequence change replaces leucine, which is neutral and non-polar, with isoleucine, which is neutral and non-polar, at codon 432 of the SLC46A1 protein (p.Leu432Ile).

NM_080669.6(SLC46A1):c.1294C>A (p.Leu432Ile)

Genes: SARM1 (sterile alpha and TIR motif containing 1; plus strand), SLC46A1 (solute carrier family 46 member 1; minus strand). Cytogenetic location: 17q11.2.
Variant type: single nucleotide variant.
Coding change: c.1294C>A on transcript NM_080669.6 (MANE Select); coding-DNA position 1294, C replaced by A.
Protein change: p.Leu432Ile; replaces leucine 432 with isoleucine.
Molecular consequence: missense variant. On other transcripts: 3 prime UTR variant (1).
Genome position (GRCh38, 1-based): chr17:28,400,638, G>T on the plus strand (C>A on the coding strand, the complement: SLC46A1 is on the minus strand). VCF-style: chr17-28400638-G-T. GRCh37 (hg19) VCF-style: chr17-26727654-G-T.
Other names: c.1210C>A, p.Leu404Ile (NM_001242366.3); c.*4352G>T (NM_015077.4); short protein forms L432I, L404I.
Identifiers: ClinVar variation 1961643 (VCV001961643.4), dbSNP rs782811181, ClinGen allele CA8458170.